The following is an entry in ClinVar:

NM_003073.5(SMARCB1):c.103_105del (p.Tyr35del)

Gene: SMARCB1 (SWI/SNF related BAF chromatin remodeling complex subunit B1; plus strand). Cytogenetic location: 22q11.23.
Variant type: Deletion.
Coding change: c.103_105del on transcript NM_003073.5 (MANE Select); coding-DNA positions 103 to 105, 3 bases deleted (TAC; older notation c.103_105delTAC).
Protein change: p.Tyr35del; deletes tyrosine 35.
Molecular consequence: inframe deletion.
Genome position (GRCh38, 1-based): chr22:23,791,765-23,791,767, TAC deleted; deleting any 3 consecutive bases within chr22:23,791,763-23,791,767 gives the same sequence; the c. name uses the placement nearest the transcript's 3' end. VCF-style (leftmost placement, unchanged base first): chr22-23791762-AACT-A. GRCh37 (hg19) VCF-style: chr22-24133949-AACT-A.
Other names: c.103_105del, p.Tyr35del (NM_001007468.3, NM_001317946.2, NM_001362877.2); short protein forms Y35del.
Identifiers: ClinVar variation 2844929 (VCV002844929.3), dbSNP rs2517660191, ClinGen allele CA2739267830.

ClinVar aggregate classification (germline): Uncertain significance (1 of 4 stars; one submission).

Submission:

Labcorp Genetics (formerly Invitae), Labcorp
Classification: Uncertain significance. Last evaluated: 2023-03-11. Review status: criteria provided, single submitter. Criteria: Invitae Variant Classification Sherloc (09022015). Collection method: clinical testing. Allele origin: germline.
Comment: This variant, c.103_105del, results in the deletion of 1 amino acid(s) of the SMARCB1 protein (p.Tyr35del), but otherwise preserves the integrity of the reading frame. In summary, the available evidence is currently insufficient to determine the role of this variant in disease. Therefore, it has been classified as a Variant of Uncertain Significance. Experimental studies and prediction algorithms are not available or were not evaluated, and the functional significance of this variant is currently unknown. This variant has not been reported in the literature in individuals affected with SMARCB1-related conditions. This variant is not present in population databases (gnomAD no frequency).